The following is an entry in ClinVar:

NC_000007.14:g.107563946G>A

Gene: COG5 (component of oligomeric golgi complex 5; minus strand). Cytogenetic location: 7q22.3.
Variant type: single nucleotide variant.
Genome position: GRCh38 VCF-style: chr7-107563946-G-A. GRCh37 (hg19) VCF-style: chr7-107204391-G-A.
Identifiers: ClinVar variation 1473995 (VCV001473995.5), dbSNP rs934471777, ClinGen allele CA164174678.

ClinVar aggregate classification (germline): Uncertain significance (1 of 4 stars; one submission).

Conditions:
COG5-congenital disorder of glycosylation. Also called: CDG IIi; COG5-CDG; CONGENITAL DISORDER OF GLYCOSYLATION, TYPE IIi. Identifiers: Orphanet 263487, MedGen C3150876, MONDO:0013325, OMIM 613612.

Allele frequency attached by ClinVar (database versions not stated): gnomAD exomes below 0.00001.

Submission:

Labcorp Genetics (formerly Invitae), Labcorp
Classification: Uncertain significance for COG5-congenital disorder of glycosylation. Last evaluated: 2023-08-30. Review status: criteria provided, single submitter. Criteria: Invitae Variant Classification Sherloc (09022015). Collection method: clinical testing. Allele origin: germline.
Comment: This sequence change replaces proline, which is neutral and non-polar, with leucine, which is neutral and non-polar, at codon 15 of the COG5 protein (p.Pro15Leu). The frequency data for this variant in the population databases is considered unreliable, as metrics indicate poor data quality at this position in the gnomAD database. This variant has not been reported in the literature in individuals affected with COG5-related conditions. In summary, the available evidence is currently insufficient to determine the role of this variant in disease. Therefore, it has been classified as a Variant of Uncertain Significance. Algorithms developed to predict the effect of missense changes on protein structure and function output the following: SIFT: "Not Available"; PolyPhen-2: "Possibly Damaging"; Align-GVGD: "Not Available". The leucine amino acid residue is found in multiple mammalian species, which suggests that this missense change does not adversely affect protein function. ClinVar contains an entry for this variant (Variation ID: 1473995).